The following is an entry in ClinVar:

NM_005633.4(SOS1):c.1394A>G (p.Asp465Gly)

Gene: SOS1 (SOS Ras/Rac guanine nucleotide exchange factor 1; minus strand). Cytogenetic location: 2p22.1.
Variant type: single nucleotide variant.
Coding change: c.1394A>G on transcript NM_005633.4 (MANE Select); coding-DNA position 1394, A replaced by G.
Protein change: p.Asp465Gly; replaces aspartic acid 465 with glycine.
Molecular consequence: missense variant.
Genome position (GRCh38, 1-based): chr2:39,023,034, T>C on the plus strand (A>G on the coding strand, the complement: SOS1 is on the minus strand). VCF-style: chr2-39023034-T-C. GRCh37 (hg19) VCF-style: chr2-39250175-T-C.
Other names: c.1373A>G, p.Asp458Gly (NM_001382394.1); c.1394A>G, p.Asp465Gly (NM_001382395.1); short protein forms D458G, D465G.
Identifiers: ClinVar variation 2085827 (VCV002085827.4), dbSNP rs2529037375, ClinGen allele CA346366272.

ClinVar aggregate classification (germline): Pathogenic (1 of 4 stars; one submission).

Conditions:
RASopathy. Also called: rasopathies; Noonan spectrum disorder. Identifiers: Orphanet 536391, MedGen C5555857, MONDO:0021060.

Allele frequency attached by ClinVar (database versions not stated): gnomAD exomes below 0.00001.
gnomAD v4.1: 1 of 1,613,720 alleles (0.000062%); highest among the groups gnomAD compares: Non-Finnish European, 0.000085%; no homozygotes.

Submission:

Labcorp Genetics (formerly Invitae), Labcorp
Classification: Pathogenic for RASopathy. Last evaluated: 2023-10-03. Review status: criteria provided, single submitter. Criteria: Invitae Variant Classification Sherloc (09022015). Collection method: clinical testing. Allele origin: germline.
Comment: This sequence change replaces aspartic acid, which is acidic and polar, with glycine, which is neutral and non-polar, at codon 465 of the SOS1 protein (p.Asp465Gly). This variant is not present in population databases (gnomAD no frequency). This missense change has been observed in individual(s) with clinical features of Noonan syndrome (Invitae). In at least one individual the variant was observed to be de novo. ClinVar contains an entry for this variant (Variation ID: 2085827). Advanced modeling of protein sequence and biophysical properties (such as structural, functional, and spatial information, amino acid conservation, physicochemical variation, residue mobility, and thermodynamic stability) performed at Invitae indicates that this missense variant is expected to disrupt SOS1 protein function. For these reasons, this variant has been classified as Pathogenic.